The following is an entry in ClinVar:

ClinVar aggregate classification (germline): Uncertain significance (1 of 4 stars; one submission).

Conditions:
Progressive encephalopathy with leukodystrophy due to DECR deficiency. Identifiers: Orphanet 431361, MedGen C1857252, MONDO:0014464, OMIM 616034.

Allele frequency attached by ClinVar (database versions not stated): TOPMed below 0.00001; ExAC 0.00001.
gnomAD v4.1: 2 of 1,610,900 alleles (0.00012%); highest among the groups gnomAD compares: Admixed American, 0.0034%; no homozygotes.

Submission:

Labcorp Genetics (formerly Invitae), Labcorp
Classification: Uncertain significance for Progressive encephalopathy with leukodystrophy due to DECR deficiency. Last evaluated: 2023-06-20. Review status: criteria provided, single submitter. Criteria: Invitae Variant Classification Sherloc (09022015). Collection method: clinical testing. Allele origin: germline.
Comment: This sequence change replaces cysteine, which is neutral and slightly polar, with glycine, which is neutral and non-polar, at codon 404 of the NADK2 protein (p.Cys404Gly). This variant is present in population databases (rs775092555, gnomAD 0.003%). This variant has not been reported in the literature in individuals affected with NADK2-related conditions. Advanced modeling of protein sequence and biophysical properties (such as structural, functional, and spatial information, amino acid conservation, physicochemical variation, residue mobility, and thermodynamic stability) performed at Invitae indicates that this missense variant is not expected to disrupt NADK2 protein function. In summary, the available evidence is currently insufficient to determine the role of this variant in disease. Therefore, it has been classified as a Variant of Uncertain Significance.

NM_001085411.3(NADK2):c.1210T>G (p.Cys404Gly)

Gene: NADK2 (NAD kinase 2, mitochondrial; minus strand). Cytogenetic location: 5p13.2.
Variant type: single nucleotide variant.
Coding change: c.1210T>G on transcript NM_001085411.3 (MANE Select); coding-DNA position 1210, T replaced by G.
Protein change: p.Cys404Gly; replaces cysteine 404 with glycine.
Molecular consequence: missense variant.
Genome position (GRCh38, 1-based): chr5:36,195,263, A>C on the plus strand (T>G on the coding strand, the complement: NADK2 is on the minus strand). VCF-style: chr5-36195263-A-C. GRCh37 (hg19) VCF-style: chr5-36195365-A-C.
Other names: c.721T>G, p.Cys241Gly (NM_001287340.2, NM_153013.5); c.787T>G, p.Cys263Gly (NM_001287341.2); short protein forms C241G, C404G, C263G.
Identifiers: ClinVar variation 3013040 (VCV003013040.3), dbSNP rs775092555, ClinGen allele CA3234474.
Genomic context (GRCh38, chr5:36,195,263, plus strand): 5'-TTGCACCATCATTAAACTCAAAAGAAGTTCCTCCATCCACAACCATACAGGCATCCCAAC[A>C]ACGAGAACGAACACAAACCCTAGGCAGAAGGAAATATCTCATTAAATAGTAATAGTTTTC-3'
Protein context (NP_001078880.1, residues 394-414): FSSKVCVRSR[Cys404Gly]WDACMVVDGG